The following is an entry in ClinVar:

NM_014679.5(CEP57):c.1363G>C (p.Gly455Arg)

Gene: CEP57 (centrosomal protein 57; plus strand). Cytogenetic location: 11q21.
Variant type: single nucleotide variant.
Coding change: c.1363G>C on transcript NM_014679.5 (MANE Select); coding-DNA position 1363, G replaced by C.
Protein change: p.Gly455Arg; replaces glycine 455 with arginine.
Molecular consequence: missense variant.
Genome position (GRCh38, 1-based): chr11:95,831,116, G>C. VCF-style: chr11-95831116-G-C. GRCh37 (hg19) VCF-style: chr11-95564280-G-C.
Other names: c.1282G>C, p.Gly428Arg (NM_001440870.1, NM_001363604.2, NM_001440869.1); c.1255G>C, p.Gly419Arg (NM_001440871.1); c.1246G>C, p.Gly416Arg (NM_001440872.1); c.1183G>C, p.Gly395Arg (NM_001440873.1); c.1177G>C, p.Gly393Arg (NM_001440874.1); c.1174G>C, p.Gly392Arg (NM_001440875.1); c.1168G>C, p.Gly390Arg (NM_001440876.1); c.1165G>C, p.Gly389Arg (NM_001440877.1, NM_001440878.1); and 6 more; short protein forms G354R, G356R, G368R, G380R, G389R, G390R, G392R, G393R.
Identifiers: ClinVar variation 4868786 (VCV004868786.1).
Genomic context (GRCh38, chr11:95,831,116, plus strand): 5'-AAGGAATTAAAAGCTACCAAAAAGACTCTTGATGAAGAAAGAAACAGCAGCAGCCGTTCT[G>C]GAATCACAGGGACCACAAATAAGAAAGATTTTATGAAACTGAGACCTGGAGAAAAAAGGA-3'
Protein context (NP_055494.2, residues 445-465): DEERNSSSRS[Gly455Arg]ITGTTNKKDF

ClinVar aggregate classification (germline): Uncertain significance (1 of 4 stars; one submission).

Conditions:
Inborn genetic diseases. Identifiers: MedGen C0950123, MeSH D030342.

Submission:

Ambry Genetics
Classification: Uncertain significance for Inborn genetic diseases. Last evaluated: 2026-06-08. Review status: criteria provided, single submitter. Criteria: Ambry Variant Classification Scheme 2023. Collection method: clinical testing. Allele origin: germline.
Comment: The p.G455R variant (also known as c.1363G>C), located in coding exon 11 of the CEP57 gene, results from a G to C substitution at nucleotide position 1363. The glycine at codon 455 is replaced by arginine, an amino acid with dissimilar properties. This amino acid position is conserved. In addition, this alteration is predicted to be tolerated by in silico analysis. Based on the available evidence, the clinical significance of this variant remains unclear.